The following is an entry in ClinVar:

NM_000548.5(TSC2):c.5160+3G>A

Gene: TSC2 (TSC complex subunit 2; plus strand). Cytogenetic location: 16p13.3.
Variant type: single nucleotide variant.
Coding change: c.5160+3G>A on transcript NM_000548.5 (MANE Select); 3 bases into the intron after coding-DNA position 5160, G replaced by A.
Molecular consequence: intron variant.
Genome position (GRCh38, 1-based): chr16:2,088,142, G>A. VCF-style: chr16-2088142-G-A. GRCh37 (hg19) VCF-style: chr16-2138143-G-A.
Other names: c.5091+3G>A (NM_001114382.3); c.5031+3G>A (NM_021055.3, NM_001370405.1); c.4962+3G>A (NM_001363528.2); c.5028+3G>A (NM_001370404.1); c.4959+3G>A (NM_001077183.3); c.4851+3G>A (NM_001318827.2); c.4428+3G>A (NM_001318831.2); c.4815+3G>A (NM_001318829.2); and 1 more.
Identifiers: ClinVar variation 574640 (VCV000574640.9), dbSNP rs45517401, ClinGen allele CA891844202.

ClinVar aggregate classification (germline): Conflicting classifications of pathogenicity. Review status: criteria provided, conflicting classifications (1 of 4 stars). 4 submissions from 4 submitters: Uncertain significance (3); Likely benign (1). Last evaluated 2025-06-06.

Conditions:
Tuberous sclerosis syndrome (TSC). Also called: Tuberous sclerosis; Tuberous Sclerosis Complex. Identifiers: Orphanet 805, MedGen C0041341, MONDO:0001734.
Tuberous sclerosis 2 (TSC2). Identifiers: Orphanet 805, MedGen C1860707, MONDO:0013199, OMIM 613254.
Hereditary cancer-predisposing syndrome. Also called: Hereditary neoplastic syndrome; Neoplastic Syndromes, Hereditary; Hereditary Cancer Syndrome; Tumor predisposition. Identifiers: Orphanet 140162, MedGen C0027672, MeSH D009386, MONDO:0015356.

Allele frequency attached by ClinVar (database versions not stated): gnomAD exomes below 0.00001.
gnomAD v4.1: 1 of 1,613,048 alleles (0.000062%); highest among the groups gnomAD compares: Non-Finnish European, 0.000085%; no homozygotes.

Submissions (4):

Myriad Genetics, Inc.
Classification: Likely benign for Tuberous sclerosis 2. Last evaluated: 2025-06-06. Review status: criteria provided, single submitter. Criteria: Myriad Autosomal Dominant, Autosomal Recessive and X-Linked Classification Criteria (2023). Collection method: clinical testing. Allele origin: unknown.
Comment: This variant is considered likely benign. This variant is intronic and is not expected to impact mRNA splicing.

Ambry Genetics
Classification: Uncertain significance for Hereditary cancer-predisposing syndrome. Last evaluated: 2025-04-17. Review status: criteria provided, single submitter. Criteria: Ambry Variant Classification Scheme 2023. Collection method: clinical testing. Allele origin: germline.
Comment: The c.5160+3G>A intronic variant results from a G to A substitution 3 nucleotides after coding exon 39 in the TSC2 gene. This nucleotide position is well conserved in available vertebrate species. In silico splice site analysis predicts that this alteration will not have any significant effect on splicing. Based on the available evidence, the clinical significance of this variant remains unclear.

All of Us Research Program, National Institutes of Health
Classification: Uncertain significance for Tuberous sclerosis syndrome. Last evaluated: 2023-05-16. Review status: criteria provided, single submitter. Criteria: ACMG Guidelines, 2015. Collection method: clinical testing. Allele origin: germline. Inheritance: Autosomal dominant inheritance. Observed: 1 variant allele, 1 heterozygote.
Comment: This variant causes a G to A nucleotide substitution at the +3 position of intron 40 of the TSC2 gene. Splice site prediction tools suggest that this variant may not impact RNA splicing. To our knowledge, functional studies have not been reported for this variant. This variant has not been reported in individuals affected with TSC2-related disorders in the literature. This variant has not been identified in the general population by the Genome Aggregation Database (gnomAD). The available evidence is insufficient to determine the role of this variant in disease conclusively. Therefore, this variant is classified as a Variant of Uncertain Significance.

This study involves interpretation of variants in research participants for the purpose of population health screening. Participant phenotype was not available at the time of variant classification. Additional details can be found in publication PMID: 35346344, PMCID: PMC8962531

Labcorp Genetics (formerly Invitae), Labcorp
Classification: Uncertain significance for Tuberous sclerosis 2. Last evaluated: 2022-12-24. Review status: criteria provided, single submitter. Criteria: Invitae Variant Classification Sherloc (09022015). Collection method: clinical testing. Allele origin: germline.
Comment: Variants that disrupt the consensus splice site are a relatively common cause of aberrant splicing (PMID: 17576681, 9536098). Algorithms developed to predict the effect of sequence changes on RNA splicing suggest that this variant is not likely to affect RNA splicing. In summary, the available evidence is currently insufficient to determine the role of this variant in disease. Therefore, it has been classified as a Variant of Uncertain Significance. ClinVar contains an entry for this variant (Variation ID: 574640). This sequence change falls in intron 40 of the TSC2 gene. It does not directly change the encoded amino acid sequence of the TSC2 protein. It affects a nucleotide within the consensus splice site. This variant is not present in population databases (gnomAD no frequency). This variant has not been reported in the literature in individuals affected with TSC2-related conditions.

Literature cited by the submitters: PubMed 17576681 (cited by Labcorp Genetics (formerly Invitae), Labcorp); PubMed 9536098 (cited by Labcorp Genetics (formerly Invitae), Labcorp).